The following is an entry in ClinVar:

NM_020693.4(DSCAML1):c.4190C>G (p.Ser1397Trp)

Gene: DSCAML1 (DS cell adhesion molecule like 1; minus strand). Cytogenetic location: 11q23.3.
Variant type: single nucleotide variant.
Coding change: c.4190C>G on transcript NM_020693.4 (MANE Select); coding-DNA position 4190, C replaced by G.
Protein change: p.Ser1397Trp; replaces serine 1397 with tryptophan.
Molecular consequence: missense variant.
Genome position (GRCh38, 1-based): chr11:117,438,938, G>C on the plus strand (C>G on the coding strand, the complement: DSCAML1 is on the minus strand). VCF-style: chr11-117438938-G-C. GRCh37 (hg19) VCF-style: chr11-117309654-G-C.
Other names: short protein forms S1397W.
Identifiers: ClinVar variation 4716718 (VCV004716718.1).

ClinVar aggregate classification (germline): Uncertain significance (1 of 4 stars; one submission).

Submission:

Labcorp Genetics (formerly Invitae), Labcorp
Classification: Uncertain significance. Last evaluated: 2025-04-03. Review status: criteria provided, single submitter. Criteria: Invitae Variant Classification Sherloc (09022015). Collection method: clinical testing. Allele origin: germline.
Comment: This sequence change replaces serine, which is neutral and polar, with tryptophan, which is neutral and slightly polar, at codon 1457 of the DSCAML1 protein (p.Ser1457Trp). This variant is not present in population databases (gnomAD no frequency). This variant has not been reported in the literature in individuals affected with DSCAML1-related conditions. An algorithm developed to predict the effect of missense changes on protein structure and function (PolyPhen-2) suggests that this variant is likely to be disruptive. In summary, the available evidence is currently insufficient to determine the role of this variant in disease. Therefore, it has been classified as a Variant of Uncertain Significance.